The following is an entry in ClinVar:

ClinVar aggregate classification (germline): Likely benign (1 of 4 stars; one submission).

Conditions:
SEMA3D-related disorder. Also called: SEMA3D-related condition.

gnomAD v4.1: 6 of 1,614,032 alleles (0.00037%); highest among the groups gnomAD compares: African/African-American, 0.008%; no homozygotes.

Submission:

PreventionGenetics, part of Exact Sciences
Classification: Likely benign for SEMA3D-related condition. Last evaluated: 2024-10-28. Review status: criteria provided, single submitter. Criteria: ACMG Guidelines, 2015. Collection method: clinical testing. Allele origin: germline.
Comment: This variant is classified as likely benign based on ACMG/AMP sequence variant interpretation guidelines (Richards et al. 2015 PMID: 25741868, with internal and published modifications).

NM_001384900.1(SEMA3D):c.2133G>A (p.Leu711=)

Genes: SEMA3D (semaphorin 3D; minus strand), LOC126860094 (BRD4-independent group 4 enhancer GRCh37_chr7:84628763-84629962; plus strand). Cytogenetic location: 7q21.11.
Variant type: single nucleotide variant.
Coding change: c.2133G>A on transcript NM_001384900.1 (MANE Select); coding-DNA position 2133, G replaced by A.
Protein change: p.Leu711=; no amino-acid change (leucine 711 retained).
Molecular consequence: synonymous variant.
Genome position (GRCh38, 1-based): chr7:84,999,641, C>T on the plus strand (G>A on the coding strand, the complement: SEMA3D is on the minus strand). VCF-style: chr7-84999641-C-T. GRCh37 (hg19) VCF-style: chr7-84628957-C-T.
Other names: c.2133G>A, p.Leu711= (NM_001384901.1, NM_001384902.1, NM_001384903.1 and 1 more transcripts).
Identifiers: ClinVar variation 4984277 (VCV004984277.1).